The following is an entry in ClinVar:

NM_001374828.1(ARID1B):c.328G>C (p.Glu110Gln)

Genes: ARID1B (AT-rich interaction domain 1B; plus strand), LOC115308161 (uncharacterized LOC115308161; minus strand), LOC129997523 (ATAC-STARR-seq lymphoblastoid silent region 17710; plus strand). Cytogenetic location: 6q25.3.
Variant type: single nucleotide variant.
Coding change: c.328G>C on transcript NM_001374828.1 (MANE Select); coding-DNA position 328, G replaced by C.
Protein change: p.Glu110Gln; replaces glutamic acid 110 with glutamine.
Molecular consequence: missense variant.
Genome position (GRCh38, 1-based): chr6:156,778,008, G>C. VCF-style: chr6-156778008-G-C. GRCh37 (hg19) VCF-style: chr6-157099142-G-C.
Other names: c.328G>C, p.Glu110Gln (NM_001371656.1, NM_001374820.1, NM_017519.3); short protein forms E110Q.
Identifiers: ClinVar variation 3709929 (VCV003709929.2).

ClinVar aggregate classification (germline): Uncertain significance (1 of 4 stars; one submission).

Submission:

Labcorp Genetics (formerly Invitae), Labcorp
Classification: Uncertain significance. Last evaluated: 2024-02-02. Review status: criteria provided, single submitter. Criteria: Invitae Variant Classification Sherloc (09022015). Collection method: clinical testing. Allele origin: germline.
Comment: This sequence change replaces glutamic acid, which is acidic and polar, with glutamine, which is neutral and polar, at codon 27 of the ARID1B protein (p.Glu27Gln). This variant is not present in population databases (gnomAD no frequency). This variant has not been reported in the literature in individuals affected with ARID1B-related conditions. Advanced modeling of protein sequence and biophysical properties (such as structural, functional, and spatial information, amino acid conservation, physicochemical variation, residue mobility, and thermodynamic stability) performed at Invitae indicates that this missense variant is not expected to disrupt ARID1B protein function with a negative predictive value of 95%. In summary, the available evidence is currently insufficient to determine the role of this variant in disease. Therefore, it has been classified as a Variant of Uncertain Significance.